The following is an entry in ClinVar:

NM_001291415.2(KDM6A):c.101_102delinsTT (p.Ser34Ile)

Gene: KDM6A (lysine demethylase 6A; plus strand). Cytogenetic location: Xp11.3.
Variant type: Indel.
Coding change: c.101_102delinsTT on transcript NM_001291415.2 (MANE Select); coding-DNA positions 101 to 102, GC replaced by TT.
Protein change: p.Ser34Ile; replaces serine 34 with isoleucine.
Molecular consequence: missense variant. On other transcripts: 5 prime UTR variant (1), non-coding transcript variant (1).
Genome position (GRCh38, 1-based): chrX:44,873,652-44,873,653, GC replaced by TT. VCF-style: chrX-44873652-GC-TT. GRCh37 (hg19) VCF-style: chrX-44732898-GC-TT.
Other names: c.101_102delinsTT, p.Ser34Ile (NM_001291416.2, NM_001291417.2, NM_001291418.2 and 1 more transcripts); c.-532_-531delinsTT (NM_001291421.2); c.101_102delGCinsTT, p.Ser34Ile (NM_001410742.1); short protein forms S34I.
Identifiers: ClinVar variation 1718165 (VCV001718165.5), dbSNP rs2519217214, ClinGen allele CA2580100965.

ClinVar aggregate classification (germline): Uncertain significance (1 of 4 stars; one submission).

Conditions:
Kabuki syndrome 2 (KABUK2). Also called: KDM6A-Related Kabuki Syndrome. Identifiers: Orphanet 2322, MedGen C3275495, MONDO:0010465, OMIM 300867.

Submission:

Labcorp Genetics (formerly Invitae), Labcorp
Classification: Uncertain significance for Kabuki syndrome 2. Last evaluated: 2023-08-04. Review status: criteria provided, single submitter. Criteria: Invitae Variant Classification Sherloc (09022015). Collection method: clinical testing. Allele origin: germline.
Comment: This sequence change replaces serine, which is neutral and polar, with isoleucine, which is neutral and non-polar, at codon 34 of the KDM6A protein (p.Ser34Ile). Information on the frequency of this variant in the gnomAD database is not available, as this variant may be reported differently in the database. This variant has not been reported in the literature in individuals affected with KDM6A-related conditions. ClinVar contains an entry for this variant (Variation ID: 1718165). An algorithm developed to predict the effect of missense changes on protein structure and function (PolyPhen-2) suggests that this variant is likely to be tolerated. In summary, the available evidence is currently insufficient to determine the role of this variant in disease. Therefore, it has been classified as a Variant of Uncertain Significance.